The following is an entry in ClinVar:

NM_198253.3(TERT):c.2486A>G (p.Gln829Arg)

Gene: TERT (telomerase reverse transcriptase; minus strand). Cytogenetic location: 5p15.33.
Variant type: single nucleotide variant.
Coding change: c.2486A>G on transcript NM_198253.3 (MANE Select); coding-DNA position 2486, A replaced by G.
Protein change: p.Gln829Arg; replaces glutamine 829 with arginine.
Molecular consequence: missense variant. On other transcripts: non-coding transcript variant (2).
Genome position (GRCh38, 1-based): chr5:1,268,616, T>C on the plus strand (A>G on the coding strand, the complement: TERT is on the minus strand). VCF-style: chr5-1268616-T-C. GRCh37 (hg19) VCF-style: chr5-1268731-T-C.
Other names: c.2486A>G, p.Gln829Arg (NM_001193376.3, NM_003219.1); short protein forms Q829R.
Identifiers: ClinVar variation 2454073 (VCV002454073.2), dbSNP rs1267914133, ClinGen allele CA359075026.

ClinVar aggregate classification (germline): Uncertain significance (1 of 4 stars; one submission).

Conditions:
Dyskeratosis congenita. Identifiers: Orphanet 1775, MedGen C0265965, MONDO:0015780.

Allele frequency attached by ClinVar (database versions not stated): TOPMed 0.00001.

Submission:

Ambry Genetics
Classification: Uncertain significance for Dyskeratosis congenita. Last evaluated: 2022-12-19. Review status: criteria provided, single submitter. Criteria: Ambry Variant Classification Scheme 2023. Collection method: clinical testing. Allele origin: germline.
Comment: The p.Q829R variant (also known as c.2486A>G), located in coding exon 9 of the TERT gene, results from an A to G substitution at nucleotide position 2486. The glutamine at codon 829 is replaced by arginine, an amino acid with highly similar properties. This amino acid position is conserved. In addition, this alteration is predicted to be tolerated by in silico analysis. Since supporting evidence is limited at this time, the clinical significance of this alteration remains unclear.